The following is an entry in ClinVar:

ClinVar aggregate classification (germline): Uncertain significance. Review status: criteria provided, multiple submitters, no conflicts (2 of 4 stars). 4 submissions from 4 submitters: Uncertain significance (4). Last evaluated 2025-11-24.

Conditions:
Inborn genetic diseases. Identifiers: MedGen C0950123, MeSH D030342.

Allele frequency attached by ClinVar (database versions not stated): gnomAD 0.00002; ExAC 0.00004; gnomAD exomes 0.00004 and 0.00005; 1000 Genomes Project 30x 0.00016; 1000 Genomes Project 0.00020.
gnomAD v4.1: 63 of 1,607,050 alleles (0.0039%); highest among the groups gnomAD compares: South Asian, 0.048%; no homozygotes.

Submissions (4):

Ambry Genetics
Classification: Uncertain significance for Inborn genetic diseases. Last evaluated: 2025-11-24. Review status: criteria provided, single submitter. Criteria: Ambry Variant Classification Scheme 2023. Collection method: clinical testing. Allele origin: germline.

Blueprint Genetics
Classification: Uncertain significance. Last evaluated: 2023-12-21. Review status: criteria provided, single submitter. Criteria: ACMG Guidelines, 2015. Collection method: clinical testing. Allele origin: germline.

Dubai Health Genomic Medicine Center, Dubai Health
Classification: Uncertain significance. Last evaluated: 2022-12-17. Review status: criteria provided, single submitter. Criteria: ACMG Guidelines, 2015. Collection method: clinical testing. Allele origin: germline. Affected: yes.

Labcorp Genetics (formerly Invitae), Labcorp
Classification: Uncertain significance. Last evaluated: 2022-01-28. Review status: criteria provided, single submitter. Criteria: Invitae Variant Classification Sherloc (09022015). Collection method: clinical testing. Allele origin: germline.
Comment: This sequence change replaces glutamic acid, which is acidic and polar, with valine, which is neutral and non-polar, at codon 56 of the RLBP1 protein (p.Glu56Val). This variant is present in population databases (rs540203768, gnomAD 0.04%). This variant has not been reported in the literature in individuals affected with RLBP1-related conditions. Algorithms developed to predict the effect of missense changes on protein structure and function are either unavailable or do not agree on the potential impact of this missense change (SIFT: "Deleterious"; PolyPhen-2: "Benign"; Align-GVGD: "Class C0"). In summary, the available evidence is currently insufficient to determine the role of this variant in disease. Therefore, it has been classified as a Variant of Uncertain Significance.

NM_000326.5(RLBP1):c.167A>T (p.Glu56Val)

Gene: RLBP1 (retinaldehyde binding protein 1; minus strand). Cytogenetic location: 15q26.1.
Variant type: single nucleotide variant.
Coding change: c.167A>T on transcript NM_000326.5 (MANE Select); coding-DNA position 167, A replaced by T.
Protein change: p.Glu56Val; replaces glutamic acid 56 with valine.
Molecular consequence: missense variant.
Genome position (GRCh38, 1-based): chr15:89,217,299, T>A on the plus strand (A>T on the coding strand, the complement: RLBP1 is on the minus strand). VCF-style: chr15-89217299-T-A. GRCh37 (hg19) VCF-style: chr15-89760530-T-A.
Other names: c.167A>T (NM_000326.4); short protein forms E56V.
Identifiers: ClinVar variation 1378969 (VCV001378969.10), dbSNP rs540203768, ClinGen allele CA7722369.
Genomic context (GRCh38, chr15:89,217,299, plus strand): 5'-GAGGCCGCCTGCGCCTGCACCATCTCCTGCAGCTCTCGCACTGCCTCCTCCCGGGTCTCC[T>A]CTCTCTCGTTCAGCTCATCCTTGGCCTAGAACAGGGTGGGGTGTGCATGAAGTTAAACTT-3'
Protein context (NP_000317.1, residues 46-66): QKAKDELNER[Glu56Val]ETREEAVREL